The following is an entry in ClinVar:

ClinVar aggregate classification (germline): Pathogenic (1 of 4 stars; one submission).

Submission:

Labcorp Genetics (formerly Invitae), Labcorp
Classification: Pathogenic. Last evaluated: 2023-08-16. Review status: criteria provided, single submitter. Criteria: Invitae Variant Classification Sherloc (09022015). Collection method: clinical testing. Allele origin: unknown.
Comment: This variant is a gross deletion of the genomic region encompassing exon(s) 3-8 of the MYO7A gene. This variant would be expected to be in-frame, preserving the integrity of the reading frame. This variant has not been reported in the literature in individuals affected with MYO7A-related conditions. This variant disrupts a region of the MYO7A protein in which other variant(s) (p.Ala26Glu) have been determined to be pathogenic (PMID: 10930322, 17361009, 22135276, 27460420). This suggests that this is a clinically significant region of the protein, and that variants that disrupt it are likely to be disease-causing. For these reasons, this variant has been classified as Pathogenic.

Literature cited by the submitters: PubMed 10930322; PubMed 17361009; PubMed 22135276; PubMed 27460420.

NC_000011.9:g.(?_76853735)_(76868458_?)del

Gene: MYO7A (myosin VIIA; plus strand). Cytogenetic location: 11q13.5.
Variant type: Deletion.
Identifiers: ClinVar variation 3244714 (VCV003244714.1).